The following is an entry in ClinVar:

ClinVar aggregate classification (germline): Uncertain significance (1 of 4 stars; one submission).

Conditions:
BBS12-related disorder. Also called: BBS12-related condition.

gnomAD v4.1: 1 of 1,614,140 alleles (0.000062%); highest among the groups gnomAD compares: African/African-American, 0.0013%; no homozygotes.

Submission:

PreventionGenetics, part of Exact Sciences
Classification: Uncertain significance for BBS12-related condition. Last evaluated: 2026-08-05. Review status: criteria provided, single submitter. Criteria: ACMG Guidelines, 2015. Collection method: clinical testing. Allele origin: germline.
Comment: The BBS12 c.1166A>C variant is predicted to result in the amino acid substitution p.Glu389Ala. To our knowledge, this variant has not been reported in the literature. This variant is reported in 0.0062% of alleles in individuals of African descent in gnomAD. At this time, the clinical significance of this variant is uncertain due to the absence of conclusive functional and genetic evidence.

NM_152618.3(BBS12):c.1166A>C (p.Glu389Ala)

Gene: BBS12 (Bardet-Biedl syndrome 12; plus strand). Cytogenetic location: 4q27.
Variant type: single nucleotide variant.
Coding change: c.1166A>C on transcript NM_152618.3 (MANE Select); coding-DNA position 1166, A replaced by C.
Protein change: p.Glu389Ala; replaces glutamic acid 389 with alanine.
Molecular consequence: missense variant.
Genome position (GRCh38, 1-based): chr4:122,743,058, A>C. VCF-style: chr4-122743058-A-C. GRCh37 (hg19) VCF-style: chr4-123664213-A-C.
Other names: c.1166A>C, p.Glu389Ala (NM_001178007.2); short protein forms E389A.
Identifiers: ClinVar variation 4993345 (VCV004993345.1).